The following is an entry in ClinVar:

ClinVar aggregate classification (germline): Likely benign (1 of 4 stars; one submission).

Allele frequency attached by ClinVar (database versions not stated): TOPMed 0.00049; gnomAD 0.00052 and 0.00053; gnomAD exomes 0.00057 and 0.00091; ExAC 0.00072; ESP Exome Variant Server 0.00038.
gnomAD v4.1: 1,382 of 1,614,012 alleles (0.086%); highest among the groups gnomAD compares: Non-Finnish European, 0.11%; 2 homozygotes.

Submission:

CeGaT Center for Human Genetics Tuebingen
Classification: Likely benign. Last evaluated: 2025-09-01. Review status: criteria provided, single submitter. Criteria: CeGaT Center For Human Genetics Tuebingen Variant Classification Criteria Version 2. Collection method: clinical testing. Allele origin: germline. Affected: yes. Observed: 3 variant alleles.
Comment: ZFHX3: BS1

NM_006885.4(ZFHX3):c.1631C>T (p.Ser544Leu)

Gene: ZFHX3 (zinc finger homeobox 3; minus strand). Cytogenetic location: 16q22.3.
Variant type: single nucleotide variant.
Coding change: c.1631C>T on transcript NM_006885.4 (MANE Select); coding-DNA position 1631, C replaced by T.
Protein change: p.Ser544Leu; replaces serine 544 with leucine.
Molecular consequence: missense variant. On other transcripts: intron variant (1).
Genome position (GRCh38, 1-based): chr16:72,958,515, G>A on the plus strand (C>T on the coding strand, the complement: ZFHX3 is on the minus strand). VCF-style: chr16-72958515-G-A. GRCh37 (hg19) VCF-style: chr16-72992414-G-A.
Other names: c.-23-7550C>T (NM_001164766.2); short protein forms S544L.
Identifiers: ClinVar variation 425111 (VCV000425111.43), dbSNP rs62620235, ClinGen allele CA8164672.